The following is an entry in ClinVar:

ClinVar aggregate classification (germline): Uncertain significance (1 of 4 stars; one submission).

gnomAD v4.1: 9 of 1,563,510 alleles (0.00058%); highest among the groups gnomAD compares: Non-Finnish European, 0.00078%; no homozygotes.

Submission:

Ambry Genetics
Classification: Uncertain significance. Last evaluated: 2025-03-20. Review status: criteria provided, single submitter. Criteria: Ambry Variant Classification Scheme 2023. Collection method: clinical testing. Allele origin: germline.
Comment: The p.G2037R variant (also known as c.6109G>C), located in coding exon 24 of the WNK2 gene, results from a G to C substitution at nucleotide position 6109. The glycine at codon 2037 is replaced by arginine, an amino acid with dissimilar properties. This amino acid position is conserved. In addition, this alteration is predicted to be deleterious by in silico analysis. Based on the available evidence, the clinical significance of this variant remains unclear.

NM_006648.4(WNK2):c.6109G>C (p.Gly2037Arg)

Gene: WNK2 (WNK lysine deficient protein kinase 2; plus strand). Cytogenetic location: 9q22.31.
Variant type: single nucleotide variant.
Coding change: c.6109G>C on transcript NM_006648.4 (MANE Select); coding-DNA position 6109, G replaced by C.
Protein change: p.Gly2037Arg; replaces glycine 2037 with arginine.
Molecular consequence: missense variant.
Genome position (GRCh38, 1-based): chr9:93,299,255, G>C. VCF-style: chr9-93299255-G-C. GRCh37 (hg19) VCF-style: chr9-96061537-G-C.
Other names: c.6220G>C, p.Gly2074Arg (NM_001282394.3); short protein forms G2074R, G2037R.
Identifiers: ClinVar variation 3981685 (VCV003981685.1).